The following is an entry in ClinVar:

NM_001040108.2(MLH3):c.3559C>G (p.His1187Asp)

Gene: MLH3 (mutL homolog 3; minus strand). Cytogenetic location: 14q24.3.
Variant type: single nucleotide variant.
Coding change: c.3559C>G on transcript NM_001040108.2 (MANE Select); coding-DNA position 3559, C replaced by G.
Protein change: p.His1187Asp; replaces histidine 1187 with aspartic acid.
Molecular consequence: missense variant.
Genome position (GRCh38, 1-based): chr14:75,039,922, G>C on the plus strand (C>G on the coding strand, the complement: MLH3 is on the minus strand). VCF-style: chr14-75039922-G-C. GRCh37 (hg19) VCF-style: chr14-75506625-G-C.
Other names: c.3559C>G, p.His1187Asp (NM_014381.3); short protein forms H1187D.
Identifiers: ClinVar variation 4055487 (VCV004055487.1).

ClinVar aggregate classification (germline): Uncertain significance (1 of 4 stars; one submission).

Submission:

Ambry Genetics
Classification: Uncertain significance. Last evaluated: 2025-04-18. Review status: criteria provided, single submitter. Criteria: Ambry Variant Classification Scheme 2023. Collection method: clinical testing. Allele origin: germline.
Comment: The p.H1187D variant (also known as c.3559C>G), located in coding exon 4 of the MLH3 gene, results from a C to G substitution at nucleotide position 3559. The histidine at codon 1187 is replaced by aspartic acid, an amino acid with similar properties. This amino acid position is conserved. In addition, the in silico prediction for this alteration is inconclusive. Based on the available evidence, the clinical significance of this variant remains unclear.